The following is an entry in ClinVar:

NM_020223.4(FAM20C):c.1376G>A (p.Arg459His)

Gene: FAM20C (FAM20C golgi associated secretory pathway kinase; plus strand). Cytogenetic location: 7p22.3.
Variant type: single nucleotide variant.
Coding change: c.1376G>A on transcript NM_020223.4 (MANE Select); coding-DNA position 1376, G replaced by A.
Protein change: p.Arg459His; replaces arginine 459 with histidine.
Molecular consequence: missense variant.
Genome position (GRCh38, 1-based): chr7:257,017, G>A. VCF-style: chr7-257017-G-A. GRCh37 (hg19) VCF-style: chr7-296983-G-A.
Other names: short protein forms R459H.
Identifiers: ClinVar variation 1516630 (VCV001516630.8), dbSNP rs1302691161, ClinGen allele CA366525756.
Genomic context (GRCh38, chr7:257,017, plus strand): 5'-GTGGCCCGGCTCCCCACGAGCTGTGACACTTTCTGCCTCTCTCCGCAGGAAACATGGACC[G>A]TCACCACTACGAGACTTTTGAGAAGTTTGGGAATGAAACGTTCATCATCCACTTAGACAA-3'
Protein context (NP_064608.2, residues 449-469): IFDFLMGNMD[Arg459His]HHYETFEKFG

ClinVar aggregate classification (germline): Uncertain significance (1 of 4 stars; one submission).

Allele frequency attached by ClinVar (database versions not stated): gnomAD exomes 0.00001; TOPMed below 0.00001.
gnomAD v4.1: 16 of 1,537,134 alleles (0.001%); highest among the groups gnomAD compares: South Asian, 0.0071%; no homozygotes.

Submission:

Labcorp Genetics (formerly Invitae), Labcorp
Classification: Uncertain significance. Last evaluated: 2022-08-23. Review status: criteria provided, single submitter. Criteria: Invitae Variant Classification Sherloc (09022015). Collection method: clinical testing. Allele origin: germline.
Comment: In summary, the available evidence is currently insufficient to determine the role of this variant in disease. Therefore, it has been classified as a Variant of Uncertain Significance. Algorithms developed to predict the effect of missense changes on protein structure and function (SIFT, PolyPhen-2, Align-GVGD) all suggest that this variant is likely to be disruptive. ClinVar contains an entry for this variant (Variation ID: 1516630). This variant has not been reported in the literature in individuals affected with FAM20C-related conditions. The frequency data for this variant in the population databases is considered unreliable, as metrics indicate poor data quality at this position in the gnomAD database. This sequence change replaces arginine, which is basic and polar, with histidine, which is basic and polar, at codon 459 of the FAM20C protein (p.Arg459His).